The following is an entry in ClinVar:

ClinVar aggregate classification (germline): Benign. Review status: criteria provided, multiple submitters, no conflicts (2 of 4 stars). 3 submissions from 3 submitters: Benign (3). Last evaluated 2026-01-27.

Allele frequency attached by ClinVar (database versions not stated): ExAC 0.01266; gnomAD exomes 0.01301 and 0.01321; gnomAD 0.02151 and 0.02255; ESP Exome Variant Server 0.02199; TOPMed 0.02236; 1000 Genomes Project 0.01897; 1000 Genomes Project 30x 0.01905.
gnomAD v4.1: 22,643 of 1,613,162 alleles (1.4%); highest among the groups gnomAD compares: African/African-American, 4.4%; 251 homozygotes.

Submissions (3):

Labcorp Genetics (formerly Invitae), Labcorp
Classification: Benign. Last evaluated: 2026-01-27. Review status: criteria provided, single submitter. Criteria: Invitae Variant Classification Sherloc (09022015). Collection method: clinical testing. Allele origin: germline.

Mayo Clinic Laboratories, Mayo Clinic
Classification: Benign. Last evaluated: 2023-07-07. Review status: criteria provided, single submitter. Criteria: ACMG Guidelines, 2015. Collection method: clinical testing. Allele origin: germline. Observed: 14 variant alleles.
Comment: BA1, BS2, BP4

Breakthrough Genomics
Classification: Benign. Review status: criteria provided, single submitter. Criteria: ACMG Guidelines, 2015. Collection method: not provided. Allele origin: germline. Inheritance: Autosomal recessive inheritance. Affected: yes.

NM_005559.4(LAMA1):c.5045A>T (p.Asp1682Val)

Gene: LAMA1 (laminin subunit alpha 1; minus strand). Cytogenetic location: 18p11.31.
Variant type: single nucleotide variant.
Coding change: c.5045A>T on transcript NM_005559.4 (MANE Select); coding-DNA position 5045, A replaced by T.
Protein change: p.Asp1682Val; replaces aspartic acid 1682 with valine.
Molecular consequence: missense variant.
Genome position (GRCh38, 1-based): chr18:6,992,684, T>A on the plus strand (A>T on the coding strand, the complement: LAMA1 is on the minus strand). VCF-style: chr18-6992684-T-A. GRCh37 (hg19) VCF-style: chr18-6992683-T-A.
Other names: p.Asp1682Val; short protein forms D1682V.
Identifiers: ClinVar variation 1169160 (VCV001169160.11), dbSNP rs16950981, ClinGen allele CA8881713.